The following is an entry in ClinVar:

NM_004329.3(BMPR1A):c.1078C>T (p.His360Tyr)

Gene: BMPR1A (bone morphogenetic protein receptor type 1A; plus strand). Cytogenetic location: 10q23.2.
Variant type: single nucleotide variant.
Coding change: c.1078C>T on transcript NM_004329.3 (MANE Select); coding-DNA position 1078, C replaced by T.
Protein change: p.His360Tyr; replaces histidine 360 with tyrosine.
Molecular consequence: missense variant. On other transcripts: non-coding transcript variant (3).
Genome position (GRCh38, 1-based): chr10:86,919,381, C>T. VCF-style: chr10-86919381-C-T. GRCh37 (hg19) VCF-style: chr10-88679138-C-T.
Other names: c.1153C>T, p.His385Tyr (NM_001406559.1); c.1126C>T, p.His376Tyr (NM_001406560.1); c.1078C>T, p.His360Tyr (NM_001406561.1, NM_001406562.1, NM_001406572.1 and 19 more transcripts); c.1072C>T, p.His358Tyr (NM_001406583.1); c.994C>T, p.His332Tyr (NM_001406584.1, NM_001406585.1, NM_001406586.1 and 2 more transcripts); c.736C>T, p.His246Tyr (NM_001406589.1); short protein forms H246Y, H332Y, H358Y, H360Y, H376Y, H385Y.
Identifiers: ClinVar variation 4867571 (VCV004867571.2).
Genomic context (GRCh38, chr10:86,919,381, plus strand): 5'-TGTGGTCTGTGCCACCTGCACACAGAAATTTATGGCACCCAAGGAAAGCCCGCAATTGCT[C>T]ATCGAGACCTAAAGAGCAAAAACATCCTCATCAAGAAAAATGGGAGTTGCTGCATTGCTG-3'
Protein context (NP_004320.2, residues 350-370): YGTQGKPAIA[His360Tyr]RDLKSKNILI

ClinVar aggregate classification (germline): Uncertain significance (1 of 4 stars; one submission).

Conditions:
Hereditary cancer-predisposing syndrome. Also called: Neoplastic Syndromes, Hereditary; Tumor predisposition; Hereditary Cancer Syndrome; Hereditary neoplastic syndrome. Identifiers: Orphanet 140162, MedGen C0027672, MeSH D009386, MONDO:0015356.

Submission:

Ambry Genetics
Classification: Uncertain significance for Hereditary cancer-predisposing syndrome. Last evaluated: 2026-07-06. Review status: criteria provided, single submitter. Criteria: Ambry Variant Classification Scheme 2023. Collection method: clinical testing. Allele origin: germline.
Comment: The p.H360Y variant (also known as c.1078C>T), located in coding exon 8 of the BMPR1A gene, results from a C to T substitution at nucleotide position 1078. The histidine at codon 360 is replaced by tyrosine, an amino acid with similar properties. This amino acid position is conserved. In addition, this alteration is predicted to be deleterious by in silico analysis. Based on the available evidence, the clinical significance of this variant remains unclear.